The following is an entry in ClinVar:

ClinVar aggregate classification (germline): Likely pathogenic (1 of 4 stars; one submission).

Submission:

GeneDx
Classification: Likely pathogenic. Last evaluated: 2021-12-06. Review status: criteria provided, single submitter. Criteria: GeneDx Variant Classification Process June 2021. Collection method: clinical testing. Allele origin: germline. Affected: yes.
Comment: Not observed in large population cohorts (Lek et al., 2016); In silico analysis supports that this missense variant has a deleterious effect on protein structure/function; Has not been previously published as pathogenic or benign to our knowledge

NM_001375524.1(TRRAP):c.9911C>T (p.Pro3304Leu)

Gene: TRRAP (transformation/transcription domain associated protein; plus strand). Cytogenetic location: 7q22.1.
Variant type: single nucleotide variant.
Coding change: c.9911C>T on transcript NM_001375524.1 (MANE Select); coding-DNA position 9911, C replaced by T.
Protein change: p.Pro3304Leu; replaces proline 3304 with leucine.
Molecular consequence: missense variant.
Genome position (GRCh38, 1-based): chr7:98,993,601, C>T. VCF-style: chr7-98993601-C-T. GRCh37 (hg19) VCF-style: chr7-98591224-C-T.
Other names: c.9869C>T, p.Pro3290Leu (NM_001244580.2); c.9782C>T, p.Pro3261Leu (NM_003496.4); short protein forms P3261L, P3290L, P3304L.
Identifiers: ClinVar variation 1328736 (VCV001328736.2), dbSNP rs2116810501, ClinGen allele CA368331042.